The following is an entry in ClinVar:

NM_005585.5(SMAD6):c.157G>A (p.Gly53Arg)

Gene: SMAD6 (SMAD family member 6; plus strand). Cytogenetic location: 15q22.31.
Variant type: single nucleotide variant.
Coding change: c.157G>A on transcript NM_005585.5 (MANE Select); coding-DNA position 157, G replaced by A.
Protein change: p.Gly53Arg; replaces glycine 53 with arginine.
Molecular consequence: missense variant. On other transcripts: non-coding transcript variant (1).
Genome position (GRCh38, 1-based): chr15:66,703,415, G>A. VCF-style: chr15-66703415-G-A. GRCh37 (hg19) VCF-style: chr15-66995753-G-A.
Other names: short protein forms G53R.
Identifiers: ClinVar variation 1449274 (VCV001449274.8), dbSNP rs1325349483, ClinGen allele CA392948746.

ClinVar aggregate classification (germline): Uncertain significance (1 of 4 stars; one submission).

Conditions:
Aortic valve disease 2 (AOVD2). Identifiers: MedGen C3542024, MONDO:0013902, OMIM 614823.

gnomAD v4.1: 6 of 1,344,004 alleles (0.00045%); highest among the groups gnomAD compares: Non-Finnish European, 0.00057%; no homozygotes.

Submission:

Labcorp Genetics (formerly Invitae), Labcorp
Classification: Uncertain significance for Aortic valve disease 2. Last evaluated: 2025-08-29. Review status: criteria provided, single submitter. Criteria: Invitae Variant Classification Sherloc (09022015). Collection method: clinical testing. Allele origin: germline.
Comment: This sequence change replaces glycine, which is neutral and non-polar, with arginine, which is basic and polar, at codon 53 of the SMAD6 protein (p.Gly53Arg). This variant is not present in population databases (gnomAD no frequency). This variant has not been reported in the literature in individuals affected with SMAD6-related conditions. ClinVar contains an entry for this variant (Variation ID: 1449274). An algorithm developed to predict the effect of missense changes on protein structure and function (PolyPhen-2) suggests that this variant is likely to be tolerated. In summary, the available evidence is currently insufficient to determine the role of this variant in disease. Therefore, it has been classified as a Variant of Uncertain Significance.